The following is an entry in ClinVar:

ClinVar aggregate classification (germline): Likely pathogenic (1 of 4 stars; one submission).

Conditions:
Cardiovascular phenotype. Identifiers: MedGen CN230736.

Submission:

Ambry Genetics
Classification: Likely pathogenic for Cardiovascular phenotype. Last evaluated: 2025-12-03. Review status: criteria provided, single submitter. Criteria: Ambry Variant Classification Scheme 2023. Collection method: clinical testing. Allele origin: germline.
Comment: The c.42830_42831delCT variant, located in coding exon 153 of the TTN gene, results from a deletion of two nucleotides at nucleotide positions 42830 to 42831, causing a translational frameshift with a predicted alternate stop codon (p.P14277Rfs*3). This exon is located in the A-band region of the N2-B isoform of the titin protein and is constitutively expressed in TTN transcripts (percent spliced in or PSI 100%). This variant is considered to be rare based on population cohorts in the Genome Aggregation Database (gnomAD). This variant is expected to result in loss of function by premature protein truncation or nonsense-mediated mRNA decay. While truncating variants in TTN are present in 1-3% of the general population, truncating variants in the A-band are the most common cause of dilated cardiomyopathy (Herman DS et al. N. Engl. J. Med., 2012 Feb;366:619-28; Roberts AM et al. Sci Transl Med, 2015 Jan;7:270ra6). TTN truncating variants encoded in constitutive exons (PSI >90%) have been found to be significantly associated with DCM regardless of their position in titin (Schafer S et al. Nat. Genet., 2017 01;49:46-53; Akhtar MM et al. Circ Heart Fail, 2020 Oct;13:e006832; Massier M et al. Clin Genet, 2025 Jan). Based on the majority of available evidence to date, this variant is likely to be pathogenic.

NM_001267550.2(TTN):c.70025_70026del (p.Pro23342fs)

Genes: TTN (titin; minus strand), TTN-AS1 (TTN antisense RNA 1; plus strand), LOC126806422 (BRD4-independent group 4 enhancer GRCh37_chr2:179440205-179441404; plus strand). Cytogenetic location: 2q31.2.
Variant type: Deletion.
Coding change: c.70025_70026del on transcript NM_001267550.2 (MANE Select); coding-DNA positions 70025 to 70026, 2 bases deleted (CT; older notation c.70025_70026delCT).
Protein change: p.Pro23342fs; shifts the reading frame from proline 23342.
Molecular consequence: frameshift variant.
Genome position (GRCh38, 1-based): chr2:178,576,106-178,576,107, AG deleted on the plus strand (CT on the coding strand, the reverse complement: TTN is on the minus strand). VCF-style (leftmost placement, unchanged base first): chr2-178576105-CAG-C. GRCh37 (hg19) VCF-style: chr2-179440832-CAG-C.
Other names: c.42830_42831delCT (NM_003319.4); c.65102_65103del, p.Pro21701fs (NM_001256850.1); c.42830_42831del, p.Pro14277fs (NM_003319.4); c.62321_62322del, p.Pro20774fs (NM_133378.4); c.43205_43206del, p.Pro14402fs (NM_133432.3); c.43406_43407del, p.Pro14469fs (NM_133437.4); short protein forms P14277fs, P20774fs, P23342fs, P14402fs, P14469fs, P21701fs.
Identifiers: ClinVar variation 4615377 (VCV004615377.1).
Genomic context (GRCh38, chr2:178,576,105, plus strand): 5'-TAATACTGAGTCCTGCTCTAACAACAAGTGTTCTTCGAAGCTCGGCATCTAGTTCAAAAT[CAG>C]GAGCCATCTCCCGTTCTACGATTTCAACATCTGGAATCACCGCTGGCTCCCCAACACCTG-3'